The following is an entry in ClinVar:

NM_014319.5(LEMD3):c.339_360del (p.Glu116fs)

Genes: LEMD3 (LEM domain containing 3; plus strand), LOC130008224 (ATAC-STARR-seq lymphoblastoid silent region 4630; plus strand). Cytogenetic location: 12q14.3.
Variant type: Deletion.
Coding change: c.339_360del on transcript NM_014319.5 (MANE Select); coding-DNA positions 339 to 360, 22 bases deleted (TGGCCCAGAGAGCCTCCTGGGA).
Protein change: p.Glu116fs; shifts the reading frame from glutamic acid 116.
Molecular consequence: frameshift variant.
Genome position (GRCh38, 1-based): chr12:65,169,935-65,169,956, TGGCCCAGAGAGCCTCCTGGGA deleted. VCF-style (leftmost placement, unchanged base first): chr12-65169934-CTGGCCCAGAGAGCCTCCTGGGA-C. GRCh37 (hg19) VCF-style: chr12-65563714-CTGGCCCAGAGAGCCTCCTGGGA-C.
Other names: c.339_360del, p.Glu116fs (NM_001167614.2); short protein forms E116fs.
Identifiers: ClinVar variation 2709420 (VCV002709420.3), dbSNP rs2498938198, ClinGen allele CA2697559344.

ClinVar aggregate classification (germline): Pathogenic (1 of 4 stars; one submission).

Submission:

Labcorp Genetics (formerly Invitae), Labcorp
Classification: Pathogenic. Last evaluated: 2024-04-06. Review status: criteria provided, single submitter. Criteria: Invitae Variant Classification Sherloc (09022015). Collection method: clinical testing. Allele origin: germline.
Comment: This sequence change creates a premature translational stop signal (p.Glu116Glyfs*60) in the LEMD3 gene. It is expected to result in an absent or disrupted protein product. Loss-of-function variants in LEMD3 are known to be pathogenic (PMID: 15489854, 19438932). This variant is not present in population databases (gnomAD no frequency). This variant has not been reported in the literature in individuals affected with LEMD3-related conditions. For these reasons, this variant has been classified as Pathogenic.

Literature cited by the submitters: PubMed 15489854; PubMed 19438932.